The following is an entry in ClinVar:

NM_001458.5(FLNC):c.4060C>G (p.Arg1354Gly)

Gene: FLNC (filamin C; plus strand). Cytogenetic location: 7q32.1.
Variant type: single nucleotide variant.
Coding change: c.4060C>G on transcript NM_001458.5 (MANE Select); coding-DNA position 4060, C replaced by G.
Protein change: p.Arg1354Gly; replaces arginine 1354 with glycine.
Molecular consequence: missense variant.
Genome position (GRCh38, 1-based): chr7:128,846,396, C>G. VCF-style: chr7-128846396-C-G. GRCh37 (hg19) VCF-style: chr7-128486450-C-G.
Other names: p.Arg1354Gly; c.4060C>G, p.Arg1354Gly (NM_001127487.2); short protein forms R1354G.
Identifiers: ClinVar variation 570414 (VCV000570414.16), dbSNP rs138193236, ClinGen allele CA166180401.
Genomic context (GRCh38, chr7:128,846,396, plus strand): 5'-GCTGTGCCCAAGAGCCCCTTCCGAGTGGGCGTGACCGAGGGCTGTGATCCCACCCGCGTC[C>G]GAGCCTTCGGGCCAGGCCTGGAGGGTGGCTTGGTCAACAAGGCCAACCGATTCACTGTGG-3'
Protein context (NP_001449.3, residues 1344-1364): VTEGCDPTRV[Arg1354Gly]AFGPGLEGGL

ClinVar aggregate classification (germline): Uncertain significance. Review status: criteria provided, multiple submitters, no conflicts (2 of 4 stars). 6 submissions from 6 submitters: Uncertain significance (5). 1 of the submissions does not count toward it. Last evaluated 2026-01-19.

Conditions:
Distal myopathy with posterior leg and anterior hand involvement. Also called: WILLIAMS DISTAL MYOPATHY. Identifiers: Orphanet 63273, MedGen C3279722, MONDO:0013550, OMIM 614065.
Myofibrillar myopathy 5. Also called: Filaminopathy (type); FILAMINOPATHY, AUTOSOMAL DOMINANT. Identifiers: Orphanet 171445, MedGen C1836050, MONDO:0012289, OMIM 609524.
Hypertrophic cardiomyopathy 26. Also called: Cardiomyopathy, familial hypertrophic, 26. Identifiers: Orphanet 75249, MedGen C4310749, MONDO:0014883, OMIM 617047.
Cardiovascular phenotype. Identifiers: MedGen CN230736.
FLNC-related disorder. Also called: FLNC-related disorders; FLNC-related condition.

Allele frequency attached by ClinVar (database versions not stated): gnomAD 0.00001 and 0.00002; gnomAD exomes 0.00001; TOPMed 0.00003.
gnomAD v4.1: 18 of 1,610,388 alleles (0.0011%); highest among the groups gnomAD compares: East Asian, 0.0045%; no homozygotes.

Submissions (6):

Labcorp Genetics (formerly Invitae), Labcorp
Classification: Uncertain significance for Distal myopathy with posterior leg and anterior hand involvement; Myofibrillar myopathy 5; Hypertrophic cardiomyopathy 26. Last evaluated: 2026-01-19. Review status: criteria provided, single submitter. Criteria: Invitae Variant Classification Sherloc (09022015). Collection method: clinical testing. Allele origin: germline.
Comment: This sequence change replaces arginine, which is basic and polar, with glycine, which is neutral and non-polar, at codon 1354 of the FLNC protein (p.Arg1354Gly). This variant is present in population databases (rs138193236, gnomAD 0.005%). This variant has not been reported in the literature in individuals affected with FLNC-related conditions. ClinVar contains an entry for this variant (Variation ID: 570414). Invitae Evidence Modeling of protein sequence and biophysical properties (such as structural, functional, and spatial information, amino acid conservation, physicochemical variation, residue mobility, and thermodynamic stability) has been performed for this missense variant. However, the output from this modeling did not meet the statistical confidence thresholds required to predict the impact of this variant on FLNC protein function. In summary, the available evidence is currently insufficient to determine the role of this variant in disease. Therefore, it has been classified as a Variant of Uncertain Significance.

Mayo Clinic Laboratories, Mayo Clinic
Classification: Uncertain significance. Last evaluated: 2024-05-21. Review status: criteria provided, single submitter. Criteria: ACMG Guidelines, 2015. Collection method: clinical testing. Allele origin: germline. Observed: 1 variant allele.

Blueprint Genetics
Classification: Uncertain significance. Last evaluated: 2024-02-29. Review status: criteria provided, single submitter. Criteria: ACMG Guidelines, 2015. Collection method: clinical testing. Allele origin: germline.

Ambry Genetics
Classification: Uncertain significance for Cardiovascular phenotype. Last evaluated: 2023-11-21. Review status: criteria provided, single submitter. Criteria: Ambry Variant Classification Scheme 2023. Collection method: clinical testing. Allele origin: germline.
Comment: The p.R1354G variant (also known as c.4060C>G), located in coding exon 23 of the FLNC gene, results from a C to G substitution at nucleotide position 4060. The arginine at codon 1354 is replaced by glycine, an amino acid with dissimilar properties. This amino acid position is highly conserved in available vertebrate species. In addition, the in silico prediction for this alteration is inconclusive. Since supporting evidence is limited at this time, the clinical significance of this alteration remains unclear.

Revvity Omics, Revvity
Classification: Uncertain significance. Last evaluated: 2023-05-24. Review status: criteria provided, single submitter. Criteria: ACMG Guidelines, 2015. Collection method: clinical testing. Allele origin: germline.

PreventionGenetics, part of Exact Sciences
Classification: Uncertain significance for FLNC-related condition. Last evaluated: 2023-12-04. Review status: no assertion criteria provided. Collection method: clinical testing. Allele origin: germline. Not counted in ClinVar's aggregate classification.
Comment: The FLNC c.4060C>G variant is predicted to result in the amino acid substitution p.Arg1354Gly. To our knowledge, this variant has not been reported in the literature. This variant is reported in 0.0051% of alleles in individuals of East Asian descent in gnomAD. At this time, the clinical significance of this variant is uncertain due to the absence of conclusive functional and genetic evidence.